The following is an entry in ClinVar:

NM_000038.6(APC):c.5271T>C (p.Ser1757=)

Gene: APC (APC regulator of Wnt signaling pathway; plus strand). Cytogenetic location: 5q22.2.
Variant type: single nucleotide variant.
Coding change: c.5271T>C on transcript NM_000038.6 (MANE Select); coding-DNA position 5271, T replaced by C.
Protein change: p.Ser1757=; no amino-acid change (serine 1757 retained).
Molecular consequence: synonymous variant.
Genome position (GRCh38, 1-based): chr5:112,840,865, T>C. VCF-style: chr5-112840865-T-C. GRCh37 (hg19) VCF-style: chr5-112176562-T-C.
Other names: c.5271T>C, p.Ser1757= (NM_001127510.3, NM_001354895.2); c.5217T>C, p.Ser1739= (NM_001127511.3); c.5325T>C, p.Ser1775= (NM_001354896.2); c.5301T>C, p.Ser1767= (NM_001354897.2); c.5196T>C, p.Ser1732= (NM_001354898.2); c.5187T>C, p.Ser1729= (NM_001354899.2); c.5148T>C, p.Ser1716= (NM_001354900.2); c.5094T>C, p.Ser1698= (NM_001354901.2); and 5 more.
Identifiers: ClinVar variation 184535 (VCV000184535.50), dbSNP rs752875511, ClinGen allele CA010011.

ClinVar aggregate classification (germline): Benign/Likely benign. Review status: criteria provided, multiple submitters, no conflicts (2 of 4 stars). 14 submissions from 14 submitters: Benign (3); Likely benign (10). 1 of the submissions does not count toward it. Last evaluated 2026-02-01.

Conditions:
Classic or attenuated familial adenomatous polyposis. Identifiers: MedGen CN372698, MONDO:0021057.
Hereditary cancer-predisposing syndrome. Also called: Tumor predisposition; Neoplastic Syndromes, Hereditary; Hereditary Cancer Syndrome; Hereditary neoplastic syndrome. Identifiers: Orphanet 140162, MedGen C0027672, MeSH D009386, MONDO:0015356.
Familial adenomatous polyposis 1 (FAP1). Also called: POLYPOSIS, ADENOMATOUS INTESTINAL; FAMILIAL ADENOMATOUS POLYPOSIS 1, ATTENUATED. Identifiers: MedGen C2713442, MONDO:0021056, OMIM 175100. Disease mechanism: loss of function.
Desmoid disease, hereditary (DESMD). Also called: FIBROMATOSIS, FAMILIAL INFILTRATIVE. Identifiers: Orphanet 873, MedGen C1851124, OMIM 135290. Disease mechanism: loss of function.

Allele frequency attached by ClinVar (database versions not stated): gnomAD 0.00002; TOPMed 0.00002.
gnomAD v4.1: 60 of 1,613,986 alleles (0.0037%); highest among the groups gnomAD compares: South Asian, 0.033%; no homozygotes.

Submissions (14):

Labcorp Genetics (formerly Invitae), Labcorp
Classification: Likely benign for Familial adenomatous polyposis 1. Last evaluated: 2026-02-01. Review status: criteria provided, single submitter. Criteria: Invitae Variant Classification Sherloc (09022015). Collection method: clinical testing. Allele origin: germline.

Center for Genomic Medicine, Rigshospitalet, Copenhagen University Hospital
Classification: Likely benign. Last evaluated: 2025-12-29. Review status: criteria provided, single submitter. Criteria: ACMG Guidelines, 2015. Collection method: clinical testing. Allele origin: germline.
Comment: Classification criteria: BP4, BP7, BS1

Blueprint Genetics
Classification: Likely benign. Last evaluated: 2024-02-16. Review status: criteria provided, single submitter. Criteria: ACMG Guidelines, 2015. Collection method: clinical testing. Allele origin: germline.

All of Us Research Program, National Institutes of Health
Classification: Likely benign for Classic or attenuated familial adenomatous polyposis. Last evaluated: 2024-01-11. Review status: criteria provided, single submitter. Criteria: ACMG Guidelines, 2015. Collection method: clinical testing. Allele origin: germline. Inheritance: Autosomal dominant inheritance. Observed: 10 variant alleles, 10 heterozygotes.
Comment: This study involves interpretation of variants in research participants for the purpose of population health screening. Participant phenotype was not available at the time of variant classification. Additional details can be found in publication PMID: 35346344, PMCID: PMC8962531

CeGaT Center for Human Genetics Tuebingen
Classification: Likely benign. Last evaluated: 2023-08-01. Review status: criteria provided, single submitter. Criteria: CeGaT Center For Human Genetics Tuebingen Variant Classification Criteria Version 2. Collection method: clinical testing. Allele origin: germline. Affected: yes. Observed: 4 variant alleles.
Comment: APC: BP4, BP7

KCCC/NGS Laboratory, Kuwait Cancer Control Center
Classification: Benign for Familial adenomatous polyposis 1. Last evaluated: 2023-07-07. Review status: criteria provided, single submitter. Criteria: ACMG Guidelines, 2015. Collection method: clinical testing. Allele origin: germline. Affected: yes.

Myriad Genetics, Inc.
Classification: Benign for Familial adenomatous polyposis 1. Last evaluated: 2023-02-17. Review status: criteria provided, single submitter. Criteria: Myriad Autosomal Dominant, Autosomal Recessive and X-Linked Classification Criteria (2023). Collection method: clinical testing. Allele origin: unknown.
Comment: This variant is considered benign. This variant is a silent/synonymous amino acid change and it is not expected to impact splicing.

Sema4
Classification: Likely benign for Hereditary cancer-predisposing syndrome. Last evaluated: 2021-12-16. Review status: criteria provided, single submitter. Criteria: Sema4 Curation Guidelines. Collection method: curation. Allele origin: germline.

Department of Pathology and Laboratory Medicine, Sinai Health System
Classification: Likely benign for Desmoid disease, hereditary. Last evaluated: 2019-10-15. Review status: criteria provided, single submitter. Criteria: ACMG Guidelines, 2015. Collection method: clinical testing. Allele origin: germline. Affected: yes.

GeneDx
Classification: Likely benign. Last evaluated: 2018-01-12. Review status: criteria provided, single submitter. Criteria: GeneDx Variant Classification (06012015). Collection method: clinical testing. Allele origin: germline. Affected: yes.
Comment: This variant is considered likely benign or benign based on one or more of the following criteria: it is a conservative change, it occurs at a poorly conserved position in the protein, it is predicted to be benign by multiple in silico algorithms, and/or has population frequency not consistent with disease.

Color Diagnostics, LLC DBA Color Health
Classification: Likely benign for Hereditary cancer-predisposing syndrome. Last evaluated: 2016-08-05. Review status: criteria provided, single submitter. Criteria: ACMG Guidelines, 2015. Collection method: clinical testing. Allele origin: germline.

Ambry Genetics
Classification: Likely benign for Hereditary cancer-predisposing syndrome. Last evaluated: 2015-01-08. Review status: criteria provided, single submitter. Criteria: Ambry Variant Classification Scheme 2023. Collection method: clinical testing. Allele origin: germline.

PreventionGenetics, part of Exact Sciences
Classification: Benign. Review status: criteria provided, single submitter. Criteria: ACMG Guidelines, 2015. Collection method: clinical testing. Allele origin: germline.

Counsyl
Classification: Likely benign for Familial adenomatous polyposis 1. Last evaluated: 2015-11-20. Review status: no assertion criteria provided. Collection method: clinical testing. Allele origin: unknown. Not counted in ClinVar's aggregate classification.